The following is an entry in ClinVar:

NM_000044.6(AR):c.191A>T (p.Gln64Leu)

Genes: AR (androgen receptor; plus strand), LOC109504725 (androgen receptor repeat instability region; plus strand). Cytogenetic location: Xq12.
Variant type: single nucleotide variant.
Coding change: c.191A>T on transcript NM_000044.6 (MANE Select); coding-DNA position 191, A replaced by T.
Protein change: p.Gln64Leu; replaces glutamine 64 with leucine.
Molecular consequence: missense variant. On other transcripts: 5 prime UTR variant (1).
Genome position (GRCh38, 1-based): chrX:67,545,337, A>T. VCF-style: chrX-67545337-A-T. GRCh37 (hg19) VCF-style: chrX-66765179-A-T.
Other names: c.-1593A>T (NM_001011645.3); c.191A>T, p.Gln64Leu (NM_001348061.1, NM_001348063.1, NM_001348064.1); short protein forms Q64L.
Identifiers: ClinVar variation 2388907 (VCV002388907.4), dbSNP rs1239669168, ClinGen allele CA413423982.
Genomic context (GRCh38, chrX:67,545,337, plus strand): 5'-CCGCGAGCGCAGCACCTCCCGGCGCCAGTTTGCTGCTGCTGCAGCAGCAGCAGCAGCAGC[A>T]GCAGCAGCAGCAGCAGCAGCAGCAGCAGCAGCAGCAGCAGCAGCAGCAAGAGACTAGCCC-3'
Protein context (NP_000035.2, residues 54-74): LLLLQQQQQQ[Gln64Leu]QQQQQQQQQQ

ClinVar aggregate classification (germline): Conflicting classifications of pathogenicity. Review status: criteria provided, conflicting classifications (1 of 4 stars). 2 submissions from 2 submitters: Uncertain significance (1); Likely benign (1). Last evaluated 2025-11-10.

Conditions:
Inborn genetic diseases. Identifiers: MedGen C0950123, MeSH D030342.

Allele frequency attached by ClinVar (database versions not stated): gnomAD exomes 0.00001; gnomAD 0.00001.
gnomAD v4.1: 3 of 1,103,800 alleles (0.00027%); highest among the groups gnomAD compares: Non-Finnish European, 0.00036%; no homozygotes.

Submissions (2):

Dasa
Classification: Likely benign. Last evaluated: 2025-11-10. Review status: criteria provided, single submitter. Criteria: DASA Assertion Criteria. Collection method: clinical testing. Allele origin: germline.
Comment: NM_000044.6(AR):c.191A>T (p.Gln64Leu) is a missense variant that results in the substitution of glutamine with leucine. Computational prediction algorithms are consistent with a benign effect. Therefore, based on the currently available evidence, this variant is classified as likely benign.

Ambry Genetics
Classification: Uncertain significance for Inborn genetic diseases. Last evaluated: 2021-11-30. Review status: criteria provided, single submitter. Criteria: Ambry Variant Classification Scheme 2023. Collection method: clinical testing. Allele origin: germline.